The following is an entry in ClinVar:

NM_007294.4(BRCA1):c.2163del (p.Phe721fs)

Gene: BRCA1 (BRCA1 DNA repair associated; minus strand). Cytogenetic location: 17q21.31.
Variant type: Deletion.
Coding change: c.2163del on transcript NM_007294.4 (MANE Select); coding-DNA position 2163, one base deleted (T; older notation c.2163delT).
Protein change: p.Phe721fs; shifts the reading frame from phenylalanine 721.
Molecular consequence: frameshift variant. On other transcripts: intron variant (137).
Genome position (GRCh38, 1-based): chr17:43,093,368, A deleted on the plus strand (T on the coding strand, the reverse complement: BRCA1 is on the minus strand); the first of 3 consecutive A bases (chr17:43,093,368-43,093,370); deleting any one gives the same sequence. VCF-style (leftmost placement, unchanged base first): chr17-43093367-CA-C. GRCh37 (hg19) VCF-style: chr17-41245384-CA-C.
Other names: c.2163del, p.Phe721fs (NM_001407684.1, NM_001407854.1, NM_001407858.1 and 30 more transcripts); c.2037del, p.Phe679fs (NM_001407685.1, NM_001407686.1, NM_001407687.1 and 11 more transcripts); c.2022del, p.Phe674fs (NM_001407692.1, NM_001407694.1, NM_001407695.1 and 29 more transcripts); c.2019del, p.Phe673fs (NM_001407740.1, NM_001407741.1, NM_001407742.1 and 20 more transcripts); c.1950del, p.Phe650fs (NM_001407853.1, NM_001407894.1, NM_001407895.1 and 9 more transcripts); c.2160del, p.Phe720fs (NM_001407860.1, NM_001407861.1, NM_001407587.1 and 22 more transcripts); c.1962del, p.Phe654fs (NM_001407862.1); c.2040del, p.Phe680fs (NM_001407863.1, NM_001407919.1, NM_001407937.1 and 19 more transcripts); and 41 more; short protein forms F674fs, F721fs, F609fs, F632fs, F650fs, F653fs, F694fs, F425fs.
Identifiers: ClinVar variation 1070603 (VCV001070603.8), dbSNP rs1555590319, ClinGen allele CA2499224519.

ClinVar aggregate classification (germline): Pathogenic (1 of 4 stars; one submission).

Conditions:
Hereditary breast ovarian cancer syndrome. Also called: Hereditary breast and ovarian cancer syndrome (HBOC); Hereditary breast and/or ovarian cancer syndrome; Hereditary breast and ovarian cancer; BRCA1- and BRCA2-Associated Hereditary Breast and Ovarian Cancer; Hereditary breast and ovarian cancer syndrome; Breast and ovarian cancer. Identifiers: Orphanet 145, MedGen C0677776, MeSH D061325, MONDO:0003582. Disease mechanism: loss of function.

Submission:

Labcorp Genetics (formerly Invitae), Labcorp
Classification: Pathogenic for Hereditary breast ovarian cancer syndrome. Last evaluated: 2020-10-20. Review status: criteria provided, single submitter. Criteria: Invitae Variant Classification Sherloc (09022015). Collection method: clinical testing. Allele origin: germline.
Comment: For these reasons, this variant has been classified as Pathogenic. This variant has not been reported in the literature in individuals with BRCA1-related conditions. This variant is not present in population databases (ExAC no frequency). This sequence change creates a premature translational stop signal (p.Phe721Leufs*15) in the BRCA1 gene. It is expected to result in an absent or disrupted protein product. Loss-of-function variants in BRCA1 are known to be pathogenic (PMID: 20104584).

Literature cited by the submitters: PubMed 20104584.